The following is an entry in ClinVar:

ClinVar aggregate classification (germline): Uncertain significance (1 of 4 stars; one submission).

Conditions:
Achondrogenesis, type IA (ACG1A). Identifiers: Orphanet 932, Orphanet 93299, MedGen C0265273, MONDO:0008701, OMIM 200600.

Allele frequency attached by ClinVar (database versions not stated): gnomAD exomes below 0.00001; TOPMed below 0.00001.
gnomAD v4.1: 1 of 1,611,022 alleles (0.000062%); highest among the groups gnomAD compares: Admixed American, 0.0017%; no homozygotes.

Submission:

Labcorp Genetics (formerly Invitae), Labcorp
Classification: Uncertain significance for Achondrogenesis, type IA. Last evaluated: 2023-10-10. Review status: criteria provided, single submitter. Criteria: Invitae Variant Classification Sherloc (09022015). Collection method: clinical testing. Allele origin: germline.
Comment: This sequence change replaces asparagine, which is neutral and polar, with lysine, which is basic and polar, at codon 327 of the TRIP11 protein (p.Asn327Lys). This variant is not present in population databases (gnomAD no frequency). This variant has not been reported in the literature in individuals affected with TRIP11-related conditions. Advanced modeling of protein sequence and biophysical properties (such as structural, functional, and spatial information, amino acid conservation, physicochemical variation, residue mobility, and thermodynamic stability) performed at Invitae indicates that this missense variant is not expected to disrupt TRIP11 protein function. In summary, the available evidence is currently insufficient to determine the role of this variant in disease. Therefore, it has been classified as a Variant of Uncertain Significance.

NM_004239.4(TRIP11):c.981T>A (p.Asn327Lys)

Gene: TRIP11 (thyroid hormone receptor interactor 11; minus strand). Cytogenetic location: 14q32.12.
Variant type: single nucleotide variant.
Coding change: c.981T>A on transcript NM_004239.4 (MANE Select); coding-DNA position 981, T replaced by A.
Protein change: p.Asn327Lys; replaces asparagine 327 with lysine.
Molecular consequence: missense variant.
Genome position (GRCh38, 1-based): chr14:92,014,420, A>T on the plus strand (T>A on the coding strand, the complement: TRIP11 is on the minus strand). VCF-style: chr14-92014420-A-T. GRCh37 (hg19) VCF-style: chr14-92480764-A-T.
Other names: c.978T>A, p.Asn326Lys (NM_001321851.1); short protein forms N326K, N327K.
Identifiers: ClinVar variation 2838267 (VCV002838267.3), dbSNP rs2057010657, ClinGen allele CA390664167.